The following is an entry in ClinVar:

ClinVar aggregate classification (germline): Likely pathogenic (1 of 4 stars; one submission).

Conditions:
GATA1-related disorder. Also called: GATA1-related condition.

Submission:

PreventionGenetics, part of Exact Sciences
Classification: Likely pathogenic for GATA1-related condition. Last evaluated: 2023-06-19. Review status: criteria provided, single submitter. Criteria: ACMG Guidelines, 2015. Collection method: clinical testing. Allele origin: germline.
Comment: The GATA1 c.189C>A variant is predicted to result in premature protein termination (p.Tyr63*). To our knowledge, this variant has not been reported in the literature or in a large population database, indicating this variant is rare. Nonsense variants in GATA1 are expected to be pathogenic. This variant is interpreted as likely pathogenic.

NM_002049.4(GATA1):c.189C>A (p.Tyr63Ter)

Gene: GATA1 (GATA binding protein 1; plus strand). Cytogenetic location: Xp11.23.
Variant type: single nucleotide variant.
Coding change: c.189C>A on transcript NM_002049.4 (MANE Select); coding-DNA position 189, C replaced by A.
Protein change: p.Tyr63Ter; replaces tyrosine 63 with a stop codon.
Molecular consequence: nonsense.
Genome position (GRCh38, 1-based): chrX:48,791,298, C>A. VCF-style: chrX-48791298-C-A. GRCh37 (hg19) VCF-style: chrX-48649705-C-A.
Other names: short protein forms Y63*.
Identifiers: ClinVar variation 2634432 (VCV002634432.1), dbSNP rs2519343851, ClinGen allele CA412867211.